The following is an entry in ClinVar:

NM_000051.4(ATM):c.4105T>G (p.Ser1369Ala)

Gene: ATM (ATM serine/threonine kinase; plus strand). Cytogenetic location: 11q22.3.
Variant type: single nucleotide variant.
Coding change: c.4105T>G on transcript NM_000051.4 (MANE Select); coding-DNA position 4105, T replaced by G.
Protein change: p.Ser1369Ala; replaces serine 1369 with alanine.
Molecular consequence: missense variant.
Genome position (GRCh38, 1-based): chr11:108,287,711, T>G. VCF-style: chr11-108287711-T-G. GRCh37 (hg19) VCF-style: chr11-108158438-T-G.
Other names: c.4105T>G, p.Ser1369Ala (NM_001351834.2); short protein forms S1369A.
Identifiers: ClinVar variation 3655887 (VCV003655887.3).

ClinVar aggregate classification (germline): Uncertain significance. Review status: criteria provided, multiple submitters, no conflicts (2 of 4 stars). 2 submissions from 2 submitters: Uncertain significance (2). Last evaluated 2025-02-03.

Conditions:
Ataxia-telangiectasia syndrome (AT). Also called: LOUIS-BAR SYNDROME; Cerebello-oculocutaneous telangiectasia; Immunodeficiency with ataxia telangiectasia; ATAXIA-TELANGIECTASIA, COMPLEMENTATION GROUP A; ATAXIA-TELANGIECTASIA, FRESNO VARIANT; Ataxia-telangiectasia, complementation group D. Identifiers: Orphanet 100, MedGen C0004135, MONDO:0008840, OMIM 208900.
Hereditary cancer-predisposing syndrome. Also called: Neoplastic Syndromes, Hereditary; Hereditary neoplastic syndrome; Tumor predisposition; Hereditary Cancer Syndrome. Identifiers: Orphanet 140162, MedGen C0027672, MeSH D009386, MONDO:0015356.

Submissions (2):

Molecular Diagnostics Laboratory, Catalan Institute of Oncology
Classification: Uncertain significance for Hereditary cancer-predisposing syndrome. Last evaluated: 2025-02-03. Review status: criteria provided, single submitter. Criteria: ClinGen ACMG Specifications ATM V1.1.0. Collection method: clinical testing. Allele origin: germline.
Comment: PM2_Supporting, BP4 c.4105T>G, located in exon 27 of the ATM gene, is predicted to result in the substitution of serine by alanine at codon 1369, p.(Ser1369Ala). It is not present in the population database gnomAD v2.1.1, non cancer dataset (PM2_supporting). The SpliceAI algorithm predicts no significant impact on splicing and the REVEL meta-predictor score for this variant (0.109) suggests that it does not affect the protein function (BP4). To our knowledge, neither relevant clinical data nor well-stablished functional studies have been reported for this variant. Also, the variant has not been reported neither in ClinVar nor in LOVD databases. Based on the currently available information, c.4105T>G is classified as an uncertain significance variant according to ClinGen-ATM Guidelines version v1.1.

Labcorp Genetics (formerly Invitae), Labcorp
Classification: Uncertain significance for Ataxia-telangiectasia syndrome. Last evaluated: 2024-06-08. Review status: criteria provided, single submitter. Criteria: Invitae Variant Classification Sherloc (09022015). Collection method: clinical testing. Allele origin: germline.
Comment: This sequence change replaces serine, which is neutral and polar, with alanine, which is neutral and non-polar, at codon 1369 of the ATM protein (p.Ser1369Ala). This variant is not present in population databases (gnomAD no frequency). This variant has not been reported in the literature in individuals affected with ATM-related conditions. An algorithm developed to predict the effect of missense changes on protein structure and function (PolyPhen-2) suggests that this variant is likely to be tolerated. In summary, the available evidence is currently insufficient to determine the role of this variant in disease. Therefore, it has been classified as a Variant of Uncertain Significance.